The following is an entry in ClinVar:

ClinVar aggregate classification (germline): Uncertain significance. Review status: criteria provided, multiple submitters, no conflicts (2 of 4 stars). 2 submissions from 2 submitters: Uncertain significance (2). Last evaluated 2025-03-27.

Conditions:
Inborn genetic diseases. Identifiers: MedGen C0950123, MeSH D030342.

Allele frequency attached by ClinVar (database versions not stated): TOPMed below 0.00001; gnomAD exomes below 0.00001.
gnomAD v4.1: 5 of 1,614,044 alleles (0.00031%); highest among the groups gnomAD compares: Non-Finnish European, 0.00034%; no homozygotes.

Submissions (2):

Ambry Genetics
Classification: Uncertain significance for Inborn genetic diseases. Last evaluated: 2025-03-27. Review status: criteria provided, single submitter. Criteria: Ambry Variant Classification Scheme 2023. Collection method: clinical testing. Allele origin: germline.

Labcorp Genetics (formerly Invitae), Labcorp
Classification: Uncertain significance. Last evaluated: 2022-07-05. Review status: criteria provided, single submitter. Criteria: Invitae Variant Classification Sherloc (09022015). Collection method: clinical testing. Allele origin: germline.
Comment: This sequence change replaces glutamic acid, which is acidic and polar, with lysine, which is basic and polar, at codon 240 of the GNPTG protein (p.Glu240Lys). This variant is not present in population databases (gnomAD no frequency). This variant has not been reported in the literature in individuals affected with GNPTG-related conditions. Algorithms developed to predict the effect of missense changes on protein structure and function (SIFT, PolyPhen-2, Align-GVGD) all suggest that this variant is likely to be tolerated. In summary, the available evidence is currently insufficient to determine the role of this variant in disease. Therefore, it has been classified as a Variant of Uncertain Significance.

NM_032520.5(GNPTG):c.718G>A (p.Glu240Lys)

Gene: GNPTG (N-acetylglucosamine-1-phosphate transferase subunit gamma; plus strand). Cytogenetic location: 16p13.3.
Variant type: single nucleotide variant.
Coding change: c.718G>A on transcript NM_032520.5 (MANE Select); coding-DNA position 718, G replaced by A.
Protein change: p.Glu240Lys; replaces glutamic acid 240 with lysine.
Molecular consequence: missense variant.
Genome position (GRCh38, 1-based): chr16:1,362,719, G>A. VCF-style: chr16-1362719-G-A. GRCh37 (hg19) VCF-style: chr16-1412720-G-A.
Other names: c.718G>A (NM_032520.4); short protein forms E240K.
Identifiers: ClinVar variation 1951700 (VCV001951700.3), dbSNP rs2034929185, ClinGen allele CA394188597.